The following is an entry in ClinVar:

NM_031892.3(SH3KBP1):c.362T>C (p.Val121Ala)

Gene: SH3KBP1 (SH3 domain containing kinase binding protein 1; minus strand). Cytogenetic location: Xp22.12.
Variant type: single nucleotide variant.
Coding change: c.362T>C on transcript NM_031892.3 (MANE Select); coding-DNA position 362, T replaced by C.
Protein change: p.Val121Ala; replaces valine 121 with alanine.
Molecular consequence: missense variant.
Genome position (GRCh38, 1-based): chrX:19,706,909, A>G on the plus strand (T>C on the coding strand, the complement: SH3KBP1 is on the minus strand). VCF-style: chrX-19706909-A-G. GRCh37 (hg19) VCF-style: chrX-19725027-A-G.
Other names: c.251T>C, p.Val84Ala (NM_001024666.3); c.362T>C, p.Val121Ala (NM_001353890.2, NM_001353891.2, NM_001353892.2 and 2 more transcripts); c.185T>C, p.Val62Ala (NM_001353893.2, NM_001353894.2, NM_001353895.2 and 1 more transcripts); short protein forms V121A, V62A, V84A.
Identifiers: ClinVar variation 3349380 (VCV003349380.1).

ClinVar aggregate classification (germline): Uncertain significance (0 of 4 stars; one submission).

Conditions:
SH3KBP1-related disorder. Also called: SH3KBP1-related condition.

Submission:

PreventionGenetics, part of Exact Sciences
Classification: Uncertain significance for SH3KBP1-related condition. Last evaluated: 2024-04-17. Review status: no assertion criteria provided. Collection method: clinical testing. Allele origin: germline.
Comment: The SH3KBP1 c.362T>C variant is predicted to result in the amino acid substitution p.Val121Ala. To our knowledge, this variant has not been reported in the literature or in a large population database, indicating this variant is rare. At this time, the clinical significance of this variant is uncertain due to the absence of conclusive functional and genetic evidence.